The following is an entry in ClinVar:

NM_000444.6(PHEX):c.1482+1G>C

Genes: PHEX (phosphate regulating endopeptidase X-linked; plus strand), PHEX-AS1 (PHEX antisense RNA 1; minus strand). Cytogenetic location: Xp22.11.
Variant type: single nucleotide variant.
Coding change: c.1482+1G>C on transcript NM_000444.6 (MANE Select); the canonical splice donor site of the intron after coding-DNA position 1482, G replaced by C.
Molecular consequence: splice donor variant.
Genome position (GRCh38, 1-based): chrX:22,168,390, G>C. VCF-style: chrX-22168390-G-C. GRCh37 (hg19) VCF-style: chrX-22186507-G-C.
Other names: c.1482+1G>C (NM_001282754.2).
Identifiers: ClinVar variation 940437 (VCV000940437.12), dbSNP rs1064793228, ClinGen allele CA412574115.

ClinVar aggregate classification (germline): Pathogenic. Review status: criteria provided, multiple submitters, no conflicts (2 of 4 stars). 2 submissions from 2 submitters: Pathogenic (2). Last evaluated 2026-03-02.

Conditions:
Familial X-linked hypophosphatemic vitamin D refractory rickets (XLHRD). Also called: X-Linked Hypophosphatemia; HYPOPHOSPHATEMIC VITAMIN D-RESISTANT RICKETS; Hypophosphatemic Rickets, X-Linked Dominant; Hypophosphatemia, vitamin D-resistant rickets; Vitamin D-resistant rickets, X-linked. Identifiers: Orphanet 89936, MedGen C0733682, MONDO:0010619, OMIM 307800.

Submissions (3):

Women's Health and Genetics/Laboratory Corporation of America, LabCorp
Classification: Pathogenic for Familial X-linked hypophosphatemic vitamin D refractory rickets. Last evaluated: 2026-03-02. Review status: criteria provided, single submitter. Criteria: LabCorp Variant Classification Summary - May 2015. Collection method: clinical testing. Allele origin: germline.
Comment: Variant summary: PHEX c.1482+1G>C is located in a canonical splice-site and is predicted to affect mRNA splicing resulting in a significantly altered protein due to either exon skipping, shortening, or inclusion of intronic material. Variants that disrupt the consensus splice site are a relatively common cause of aberrant splicing and loss of PHEX function. Several computational tools predict a significant impact on normal splicing: Four predict the variant abolishes the canonical 5' splicing donor site. At least one publication reports experimental evidence that this variant affects mRNA splicing by skipping 13 (BinEssa_2019). The variant was absent in 182961 control chromosomes. c.1482+1G>C has been observed in at-least two individuals affected with X-Linked Hypophosphatemic Rickets (example, Durmaz_2012). These data indicate that the variant may be associated with disease. The following publications have been ascertained in the context of this evaluation (PMID: 23079138, 31102713). ClinVar contains an entry for this variant (Variation ID: 940437). Based on the evidence outlined above, the variant was classified as pathogenic.

Labcorp Genetics (formerly Invitae), Labcorp
Classification: Pathogenic. Last evaluated: 2025-10-03. Review status: criteria provided, single submitter. Criteria: Invitae Variant Classification Sherloc (09022015). Collection method: clinical testing. Allele origin: germline.
Comment: This sequence change affects a donor splice site in intron 13 of the PHEX gene. It is expected to disrupt RNA splicing. Variants that disrupt the donor or acceptor splice site typically lead to a loss of protein function (PMID: 16199547), and loss-of-function variants in PHEX are known to be pathogenic (PMID: 9097956, 9106524, 19219621). This variant is not present in population databases (gnomAD no frequency). Disruption of this splice site has been observed in individuals with hypophosphatemic rickets (PMID: 9768674, 11502829, 23079138). This variant is also known as IVS13+1G>C. ClinVar contains an entry for this variant (Variation ID: 940437). Algorithms developed to predict the effect of sequence changes on RNA splicing suggest that this variant may disrupt the consensus splice site. For these reasons, this variant has been classified as Pathogenic.

Dr. Peter K. Rogan Lab, Western University
No classification provided (evidence only). Condition: Nonpapillary renal cell carcinoma. Review status: no classification provided. Collection method: in vitro. Allele origin: not applicable. Functional consequence: retained intron. Not counted in ClinVar's aggregate classification.

Literature cited by the submitters: PubMed 31102713 (cited by Women's Health and Genetics/Laboratory Corporation of America, LabCorp); PubMed 23079138 (cited by Women's Health and Genetics/Laboratory Corporation of America, LabCorp and Labcorp Genetics (formerly Invitae), Labcorp); PubMed 16199547 (cited by Labcorp Genetics (formerly Invitae), Labcorp); PubMed 9097956 (cited by Labcorp Genetics (formerly Invitae), Labcorp); PubMed 9106524 (cited by Labcorp Genetics (formerly Invitae), Labcorp); PubMed 19219621 (cited by Labcorp Genetics (formerly Invitae), Labcorp); PubMed 9768674 (cited by Labcorp Genetics (formerly Invitae), Labcorp); PubMed 11502829 (cited by Labcorp Genetics (formerly Invitae), Labcorp).